The following is an entry in ClinVar:

ClinVar aggregate classification (germline): Likely pathogenic (1 of 4 stars; one submission).

Submission:

Labcorp Genetics (formerly Invitae), Labcorp
Classification: Likely pathogenic. Last evaluated: 2020-09-04. Review status: criteria provided, single submitter. Criteria: Invitae Variant Classification Sherloc (09022015). Collection method: clinical testing. Allele origin: germline.
Comment: This sequence change affects a donor splice site in intron 6 of the CNGA3 gene. It is expected to disrupt RNA splicing and likely results in an absent or disrupted protein product. In summary, the currently available evidence indicates that the variant is pathogenic, but additional data are needed to prove that conclusively. Therefore, this variant has been classified as Likely Pathogenic. Donor and acceptor splice site variants typically lead to a loss of protein function (PMID: 16199547), and loss-of-function variants in CNGA3 are known to be pathogenic (PMID: 14757870, 24903488, 25637600). Algorithms developed to predict the effect of sequence changes on RNA splicing suggest that this variant may disrupt the consensus splice site, but this prediction has not been confirmed by published transcriptional studies. This variant has not been reported in the literature in individuals with CNGA3-related conditions. This variant is not present in population databases (ExAC no frequency).

Literature cited by the submitters: PubMed 16199547; PubMed 14757870; PubMed 24903488; PubMed 25637600.

NM_001298.3(CNGA3):c.566_566+1delinsAT

Gene: CNGA3 (cyclic nucleotide gated channel subunit alpha 3; plus strand). Cytogenetic location: 2q11.2.
Variant type: Indel.
Coding change: c.566_566+1delinsAT on transcript NM_001298.3 (MANE Select); coding-DNA position 566 through the canonical splice donor site of the intron after coding-DNA position 566, GG replaced by AT.
Molecular consequence: splice donor variant.
Genome position (GRCh38, 1-based): chr2:98,389,774-98,389,775, GG replaced by AT. VCF-style: chr2-98389774-GG-AT. GRCh37 (hg19) VCF-style: chr2-99006237-GG-AT.
Other names: c.512_512+1delinsAT (NM_001079878.2).
Identifiers: ClinVar variation 1067940 (VCV001067940.7), dbSNP rs2104230007, ClinGen allele CA2499216313.